The following is an entry in ClinVar:

ClinVar aggregate classification (germline): Uncertain significance. Review status: criteria provided, multiple submitters, no conflicts (2 of 4 stars). 2 submissions from 2 submitters: Uncertain significance (2). Last evaluated 2026-02-03.

Conditions:
Inborn genetic diseases. Identifiers: MedGen C0950123, MeSH D030342.

Allele frequency attached by ClinVar (database versions not stated): gnomAD exomes below 0.00001; TOPMed below 0.00001; gnomAD 0.00001.
gnomAD v4.1: 3 of 1,613,626 alleles (0.00019%); highest among the groups gnomAD compares: Admixed American, 0.0017%; no homozygotes.

Submissions (2):

Labcorp Genetics (formerly Invitae), Labcorp
Classification: Uncertain significance. Last evaluated: 2026-02-03. Review status: criteria provided, single submitter. Criteria: Invitae Variant Classification Sherloc (09022015). Collection method: clinical testing. Allele origin: germline.
Comment: This sequence change replaces alanine, which is neutral and non-polar, with threonine, which is neutral and polar, at codon 774 of the DDX58 protein (p.Ala774Thr). This variant is not present in population databases (gnomAD no frequency). This variant has not been reported in the literature in individuals affected with DDX58-related conditions. ClinVar contains an entry for this variant (Variation ID: 1511570). Invitae Evidence Modeling of protein sequence and biophysical properties (such as structural, functional, and spatial information, amino acid conservation, physicochemical variation, residue mobility, and thermodynamic stability) indicates that this missense variant is not expected to disrupt DDX58 protein function with a negative predictive value of 80%. In summary, the available evidence is currently insufficient to determine the role of this variant in disease. Therefore, it has been classified as a Variant of Uncertain Significance.

Ambry Genetics
Classification: Uncertain significance for Inborn genetic diseases. Last evaluated: 2024-08-05. Review status: criteria provided, single submitter. Criteria: Ambry Variant Classification Scheme 2023. Collection method: clinical testing. Allele origin: germline.

NM_014314.4(RIGI):c.2320G>A (p.Ala774Thr)

Gene: RIGI (RNA sensor RIG-I; minus strand). Cytogenetic location: 9p21.1.
Variant type: single nucleotide variant.
Coding change: c.2320G>A on transcript NM_014314.4 (MANE Select); coding-DNA position 2320, G replaced by A.
Protein change: p.Ala774Thr; replaces alanine 774 with threonine.
Molecular consequence: missense variant.
Genome position (GRCh38, 1-based): chr9:32,466,307, C>T on the plus strand (G>A on the coding strand, the complement: RIGI is on the minus strand). VCF-style: chr9-32466307-C-T. GRCh37 (hg19) VCF-style: chr9-32466305-C-T.
Other names: c.2320G>A (NM_014314.3); c.2314G>A, p.Ala772Thr (NM_001385907.1); c.2149G>A, p.Ala717Thr (NM_001385909.1); c.1879G>A, p.Ala627Thr (NM_001385910.1); c.1711G>A, p.Ala571Thr (NM_001385912.1); c.2305G>A, p.Ala769Thr (NM_001385913.1); c.1876G>A, p.Ala626Thr (NM_001385914.1); short protein forms A774T, A571T, A626T, A627T, A717T, A769T, A772T.
Identifiers: ClinVar variation 1511570 (VCV001511570.7), dbSNP rs904822679, ClinGen allele CA192358718.